The following is an entry in ClinVar:

ClinVar aggregate classification (germline): Conflicting classifications of pathogenicity. Review status: criteria provided, conflicting classifications (1 of 4 stars). 3 submissions from 3 submitters: Pathogenic (1); Likely pathogenic (1); Uncertain significance (1). Last evaluated 2025-03-21.

Conditions:
Maturity-onset diabetes of the young (MODY). Also called: Maturity onset diabetes mellitus in young. Identifiers: Orphanet 552, MedGen C0342276, MONDO:0018911, HP:0004904.

Submissions (3):

Ambry Genetics
Classification: Uncertain significance for Maturity-onset diabetes of the young. Last evaluated: 2025-03-21. Review status: criteria provided, single submitter. Criteria: Ambry Variant Classification Scheme 2023. Collection method: clinical testing. Allele origin: germline.
Comment: The c.1747_1766del20 variant, located in coding exon 9 of the HNF1A gene, results from a deletion of 20 nucleotides at nucleotide positions 1747 to 1766, causing a translational frameshift with a predicted alternate stop codon (p.R583Sfs*59). This alteration occurs at the 3' terminus of theHNF1A gene, is not expected to trigger nonsense-mediated mRNAdecay, and impacts the last 7% of the protein. The exact functional effect of this alteration is unknown. Based on the available evidence, the clinical significance of this variant remains unclear.

Athena Diagnostics
Classification: Pathogenic. Last evaluated: 2018-11-06. Review status: criteria provided, single submitter. Criteria: Athena Diagnostics Criteria. Collection method: clinical testing. Allele origin: germline.
Comment: The variant results in a shift of the reading frame, and is therefore predicted to result in the loss of a functional protein. Found in at least one symptomatic patient, and not found in general population data.

Clinical Genomics, Uppaluri K&H Personalized Medicine Clinic
Classification: Likely pathogenic for Maturity-onset diabetes of the young. Review status: criteria provided, single submitter. Criteria: K & H Uppaluri Personalized Medicine Clinic Variant Classification & Assertion Criteria_Updated V.1. Collection method: research. Allele origin: unknown. Inheritance: Autosomal dominant inheritance.
Comment: Mutations in HNF1A gene can predispose to MODY3. It is associated with both micro and macrovascular complications of diabetes, especially cardiovascular complications. Associated with glucosuria. May respond well to sulfonylureas. However, more evidence is required to confer the association of this particular variant rs1592898255 with MODY3.

Literature cited by the submitters: PubMed 31517624 (cited by Clinical Genomics, Uppaluri K&H Personalized Medicine Clinic); PubMed 32395877 (cited by Clinical Genomics, Uppaluri K&H Personalized Medicine Clinic); PubMed 35328643 (cited by Clinical Genomics, Uppaluri K&H Personalized Medicine Clinic); PubMed 35673428 (cited by Clinical Genomics, Uppaluri K&H Personalized Medicine Clinic).

NM_000545.8(HNF1A):c.1747_1766del (p.Arg583fs)

Gene: HNF1A (HNF1 homeobox A; plus strand). Cytogenetic location: 12q24.31.
Variant type: Deletion.
Coding change: c.1747_1766del on transcript NM_000545.8 (MANE Select); coding-DNA positions 1747 to 1766, 20 bases deleted (CGGCTCAGCGCCAGCCCCAC).
Protein change: p.Arg583fs; shifts the reading frame from arginine 583.
Molecular consequence: frameshift variant.
Genome position (GRCh38, 1-based): chr12:120,999,606-120,999,625, CGGCTCAGCGCCAGCCCCAC deleted; deleting any 20 consecutive bases within chr12:120,999,601-120,999,625 gives the same sequence; the c. name uses the placement nearest the transcript's 3' end. VCF-style (leftmost placement, unchanged base first): chr12-120999600-GCCCACCGGCTCAGCGCCAGC-G. GRCh37 (hg19) VCF-style: chr12-121437403-GCCCACCGGCTCAGCGCCAGC-G.
Other names: c.1747_1766del20 (NM_000545.5); c.1768_1787del, p.Arg590fs (NM_001306179.2); short protein forms R583fs, R590fs.
Identifiers: ClinVar variation 805634 (VCV000805634.3), dbSNP rs1592898255, ClinGen allele CA915946723.